The following is an entry in ClinVar:

ClinVar aggregate classification (germline): Uncertain significance (1 of 4 stars; one submission).

Submission:

Labcorp Genetics (formerly Invitae), Labcorp
Classification: Uncertain significance. Last evaluated: 2025-11-18. Review status: criteria provided, single submitter. Criteria: Invitae Variant Classification Sherloc (09022015). Collection method: clinical testing. Allele origin: germline.
Comment: This sequence change replaces serine, which is neutral and polar, with asparagine, which is neutral and polar, at codon 36 of the TNFRSF11A protein (p.Ser36Asn). This variant is not present in population databases (gnomAD no frequency). This variant has not been reported in the literature in individuals affected with TNFRSF11A-related conditions. Invitae Evidence Modeling of protein sequence and biophysical properties (such as structural, functional, and spatial information, amino acid conservation, physicochemical variation, residue mobility, and thermodynamic stability) indicates that this missense variant is not expected to disrupt TNFRSF11A protein function with a negative predictive value of 80%. In summary, the available evidence is currently insufficient to determine the role of this variant in disease. Therefore, it has been classified as a Variant of Uncertain Significance.

NM_003839.4(TNFRSF11A):c.107G>A (p.Ser36Asn)

Gene: TNFRSF11A (TNF receptor superfamily member 11a; plus strand). Cytogenetic location: 18q21.33.
Variant type: single nucleotide variant.
Coding change: c.107G>A on transcript NM_003839.4 (MANE Select); coding-DNA position 107, G replaced by A.
Protein change: p.Ser36Asn; replaces serine 36 with asparagine.
Molecular consequence: missense variant.
Genome position (GRCh38, 1-based): chr18:62,348,199, G>A. VCF-style: chr18-62348199-G-A. GRCh37 (hg19) VCF-style: chr18-60015432-G-A.
Other names: c.107G>A, p.Ser36Asn (NM_001270949.2, NM_001270950.2, NM_001270951.2 and 1 more transcripts); short protein forms S36N.
Identifiers: ClinVar variation 4767008 (VCV004767008.1).
Genomic context (GRCh38, chr18:62,348,199, plus strand): 5'-TCTCTGCCTGACCTCAGTGTTCTTTTCAGGTGGCTTTGCAGATCGCTCCTCCATGTACCA[G>A]TGAGAAGCATTATGAGCATCTGGGACGGTGCTGTAACAAATGTGAACCAGGTACACCTGC-3'
Protein context (NP_003830.1, residues 26-46): VALQIAPPCT[Ser36Asn]EKHYEHLGRC